The following is an entry in ClinVar:

NM_000218.3(KCNQ1):c.964A>G (p.Thr322Ala)

Gene: KCNQ1 (potassium voltage-gated channel subfamily Q member 1; plus strand). Cytogenetic location: 11p15.5.
Variant type: single nucleotide variant.
Coding change: c.964A>G on transcript NM_000218.3 (MANE Select); coding-DNA position 964, A replaced by G.
Protein change: p.Thr322Ala; replaces threonine 322 with alanine.
Molecular consequence: missense variant.
Genome position (GRCh38, 1-based): chr11:2,583,477, A>G. VCF-style: chr11-2583477-A-G. GRCh37 (hg19) VCF-style: chr11-2604707-A-G.
Other names: p.T322A:ACG>GCG; c.964A>G (LRG_287t1); c.964A>G, p.Thr322Ala (NM_001406836.1); c.694A>G, p.Thr232Ala (NM_001406837.1); c.520A>G, p.Thr174Ala (NM_001406838.1); c.583A>G, p.Thr195Ala (NM_181798.2); short protein forms T322A, T195A, T174A, T232A.
Identifiers: ClinVar variation 53149 (VCV000053149.18), dbSNP rs199472754, ClinGen allele CA008936.

ClinVar aggregate classification (germline): Pathogenic/Likely pathogenic. Review status: criteria provided, multiple submitters, no conflicts (2 of 4 stars). 8 submissions from 8 submitters: Pathogenic (6); Likely pathogenic (1). 1 of the submissions does not count toward it. Last evaluated 2026-02-01.

Conditions:
Cardiovascular phenotype. Identifiers: MedGen CN230736.
Cardiac arrhythmia. Also called: Arrhythmia; Cardiac rhythm disease. Identifiers: MedGen C0003811, MONDO:0007263, HP:0011675.
Familial long QT syndrome (RWS). Also called: Congenital long QT syndrome; Romano-Ward syndrome; VENTRICULAR FIBRILLATION WITH PROLONGED QT INTERVAL. Identifiers: Orphanet 768, MedGen C1141890, MONDO:0019171.
Long QT syndrome (LQTS). Identifiers: MedGen C0023976, MeSH D008133, MONDO:0002442. Disease mechanism: loss of function. Inheritance: Various modes of inheritance.
Long QT syndrome 1 (LQT1). Identifiers: Orphanet 101016, Orphanet 768, MedGen C4551647, MONDO:0100316, OMIM 192500, MONDO:0008646.

Submissions (8):

Labcorp Genetics (formerly Invitae), Labcorp
Classification: Pathogenic for Long QT syndrome. Last evaluated: 2026-02-01. Review status: criteria provided, single submitter. Criteria: Invitae Variant Classification Sherloc (09022015). Collection method: clinical testing. Allele origin: germline.
Comment: This sequence change replaces threonine, which is neutral and polar, with alanine, which is neutral and non-polar, at codon 322 of the KCNQ1 protein (p.Thr322Ala). This variant is not present in population databases (gnomAD no frequency). This missense change has been observed in individuals with long QT syndrome (PMID: 19716085, 22949429, 23092362). It has also been observed to segregate with disease in related individuals. ClinVar contains an entry for this variant (Variation ID: 53149). Invitae Evidence Modeling of protein sequence and biophysical properties (such as structural, functional, and spatial information, amino acid conservation, physicochemical variation, residue mobility, and thermodynamic stability) indicates that this missense variant is expected to disrupt KCNQ1 protein function with a positive predictive value of 95%. Experimental studies have shown that this missense change affects KCNQ1 function (PMID: 23092362, 28491751). This variant disrupts the p.Thr322 amino acid residue in KCNQ1. Other variant(s) that disrupt this residue have been determined to be pathogenic (PMID: 16414944, 17470695, 18400097, 19716085, 23092362). This suggests that this residue is clinically significant, and that variants that disrupt this residue are likely to be disease-causing. For these reasons, this variant has been classified as Pathogenic.

Color Diagnostics, LLC DBA Color Health
Classification: Pathogenic for Cardiac arrhythmia. Last evaluated: 2025-10-14. Review status: criteria provided, single submitter. Criteria: ACMG Guidelines, 2015. Collection method: clinical testing. Allele origin: germline.
Comment: This missense variant replaces threonine with alanine at codon 322 of the KCNQ1 protein. This variant alters a conserved threonine residue in the pore-forming region in the transmembrane domain of the KCNQ1 protein. Rare non-truncating variants in this region have been shown to be significantly overrepresented in individuals with long QT syndrome (PMID: 32893267). Computational prediction suggests that this variant may have deleterious impact on protein structure and function. Functional studies have shown that the mutant protein results in non-functional potassium channels and causes dominant negative suppression of wild type channels (PMID: 20399767, 21320432, 23092362, 28491751). This variant has been reported in almost twenty individuals affected with long QT syndrome (PMID: 15466642, 15840476, 18452873, 19716085, 19841300, 22199116, 23631430, 29884292, 31737537, 32383558). This variant has not been identified in the general population by the Genome Aggregation Database (gnomAD). Based on the available evidence, this variant is classified as Pathogenic.

All of Us Research Program, National Institutes of Health
Classification: Pathogenic for Long QT syndrome. Last evaluated: 2024-06-07. Review status: criteria provided, single submitter. Criteria: ACMG Guidelines, 2015. Collection method: clinical testing. Allele origin: germline. Inheritance: Autosomal dominant inheritance. Observed: 1 variant allele, 1 heterozygote.
Comment: The c.964A>G (p.Thr322Ala) variant in the KCNQ1 gene replaces threonine with alanine in codon 322. This variant has been reported in individuals with long QT syndrome (PMID: 29884292, 15840476, 12877697 , 15466642, 19716085, 22199116, 23631430, 19841300, 18452873). Functional data indicates a deleterious impact of this variant on protein function (PMID: 21320432, 20399767). This variant is absent in the general population database, gnomAD. Computational evidence suggests that this missense variant is expected to disrupt KCNQ1 protein function (REVEL 0.974). Other variants that disrupt this amino acid have been interpreted as pathogenic (ClinVar ID: 53151, 200830). ClinVar contains an entry for this variant (Variation ID: 53149 ). Based on the available evidence, the c.964A>G (p.Thr322Ala) variant of KCNQ1 is classified as pathogenic.

This study involves interpretation of variants in research participants for the purpose of population health screening. Participant phenotype was not available at the time of variant classification. Additional details can be found in publication PMID: 35346344, PMCID: PMC8962531

Ambry Genetics
Classification: Likely pathogenic for Cardiovascular phenotype. Last evaluated: 2023-05-28. Review status: criteria provided, single submitter. Criteria: Ambry Variant Classification Scheme 2023. Collection method: clinical testing. Allele origin: germline.
Comment: The p.T322A variant (also known as c.964A>G), located in coding exon 7 of the KCNQ1 gene, results from an A to G substitution at nucleotide position 964. The threonine at codon 322 is replaced by alanine, an amino acid with similar properties, and is located in the transmembrane spanning pore/S6 region of the protein. This alteration has been reported in individuals with long QT syndrome (Nemec J et al. Pacing Clin Electrophysiol, 2003 Aug;26:1660-7; Choi G et al. Circulation, 2004 Oct;110:2119-24; Tester DJ et al. Heart Rhythm, 2005 May;2:507-17; Kapa S et al. Circulation, 2009 Nov;120:1752-60; Kapplinger JD et al. Heart Rhythm, 2009 Sep;6:1297-303; Giudicessi JR et al. Circ Cardiovasc Genet, 2012 Oct;5:519-28; Marschall C et al. Cardiovasc Diagn Ther, 2019 Oct;9:S292-S298; Westphal DS et al. Mol Genet Genomic Med, 2020 09;8:e1300). Additionally, in vitro studies suggest that this alteration results in abnormal protein function (Burgess DE et al. Biochemistry, 2012 Nov;51:9076-85). This variant is considered to be rare based on population cohorts in the Genome Aggregation Database (gnomAD). This amino acid position is highly conserved in available vertebrate species. In addition, this alteration is predicted to be deleterious by in silico analysis. Based on the majority of available evidence to date, this variant is likely to be pathogenic.

Mayo Clinic Laboratories, Mayo Clinic
Classification: Pathogenic. Last evaluated: 2022-04-14. Review status: criteria provided, single submitter. Criteria: ACMG Guidelines, 2015. Collection method: clinical testing. Allele origin: germline. Observed: 1 variant allele.
Comment: PP3, PM2, PS3, PS4

GeneDx
Classification: Pathogenic. Last evaluated: 2022-01-07. Review status: criteria provided, single submitter. Criteria: GeneDx Variant Classification Process June 2021. Collection method: clinical testing. Allele origin: germline. Affected: yes.
Comment: Not observed at significant frequency in large population cohorts (gnomAD); Published functional studies demonstrate a damaging effect as this variant results in suppression of the potassium current (Burgess et al., 2012; Rothenberg et al., 2016); In silico analysis supports that this missense variant has a deleterious effect on protein structure/function; Reported in ClinVar as a pathogenic variant (ClinVar Variant ID# 53149); This variant is associated with the following publications: (PMID: 24269949, 15851119, 15840476, 23092362, 19815527, 19716085, 22949429, 12877697, 22199116, 19841300, 15466642, 28491751, 31737537, 32383558, 30219255)

MVZ Martinsried, Medicover Genetics
Classification: Pathogenic for Long QT syndrome 1. Last evaluated: 2020-05-16. Review status: criteria provided, single submitter. Criteria: ACGS Guidelines, 2020. Collection method: clinical testing. Allele origin: unknown. Affected: yes.

Cardiovascular Biomedical Research Unit, Royal Brompton & Harefield NHS Foundation Trust
No classification provided. Condition: Familial long QT syndrome. Review status: no classification provided. Collection method: literature only. Allele origin: germline. Not counted in ClinVar's aggregate classification.
Comment: This variant has been reported as associated with Long QT syndrome in the following publications (PMID:12877697;PMID:15466642;PMID:15840476;PMID:19716085;PMID:19841300). This is a literature report, and does not necessarily reflect the clinical interpretation of the Imperial College / Royal Brompton Cardiovascular Genetics laboratory.

Literature cited by the submitters: PubMed 19716085 (cited by 5 submitters); PubMed 22949429 (cited by Labcorp Genetics (formerly Invitae), Labcorp and Ambry Genetics); PubMed 23092362 (cited by 4 submitters); PubMed 28491751 (cited by 3 submitters); PubMed 16414944 (cited by Labcorp Genetics (formerly Invitae), Labcorp); PubMed 17470695 (cited by Labcorp Genetics (formerly Invitae), Labcorp); PubMed 18400097 (cited by Labcorp Genetics (formerly Invitae), Labcorp); PubMed 15466642 (cited by 4 submitters); PubMed 15840476 (cited by 5 submitters); PubMed 18452873 (cited by Color Diagnostics, LLC DBA Color Health and Ambry Genetics); PubMed 19841300 (cited by 4 submitters); PubMed 20399767 (cited by Color Diagnostics, LLC DBA Color Health and All of Us Research Program, National Institutes of Health); PubMed 21320432 (cited by Color Diagnostics, LLC DBA Color Health and All of Us Research Program, National Institutes of Health); PubMed 22199116 (cited by Color Diagnostics, LLC DBA Color Health); PubMed 23631430 (cited by Color Diagnostics, LLC DBA Color Health); PubMed 29884292 (cited by Color Diagnostics, LLC DBA Color Health and All of Us Research Program, National Institutes of Health); PubMed 31737537 (cited by Color Diagnostics, LLC DBA Color Health and Ambry Genetics); PubMed 32383558 (cited by 3 submitters); PubMed 32893267 (cited by Color Diagnostics, LLC DBA Color Health); PubMed 12877697 (cited by 4 submitters); PubMed 15851119 (cited by Mayo Clinic Laboratories, Mayo Clinic); PubMed 24269949 (cited by Mayo Clinic Laboratories, Mayo Clinic); PubMed 30219255 (cited by Mayo Clinic Laboratories, Mayo Clinic); PubMed 22581653 (cited by Cardiovascular Biomedical Research Unit, Royal Brompton & Harefield NHS Foundation Trust).